The following is an entry in ClinVar:

ClinVar aggregate classification (germline): Pathogenic/Likely pathogenic. Review status: criteria provided, multiple submitters, no conflicts (2 of 4 stars). 3 submissions from 3 submitters: Pathogenic (2); Likely pathogenic (1). Last evaluated 2024-06-07.

Conditions:
Mucopolysaccharidosis, MPS-II (MPS2). Also called: Attenuated MPS (subtype; formerly known as mild MPS II); Severe MPS II; I2S deficiency; MPS 2; Hunter Syndrome; IDURONATE 2-SULFATASE DEFICIENCY. Identifiers: Orphanet 580, Orphanet 79388, MedGen C0026705, MONDO:0010674, OMIM 309900.

Submissions (3):

Laboratory of Diagnosis and Therapy of Lysosomal Disorders, University of Padova
Classification: Likely pathogenic for Mucopolysaccharidosis, MPS-II. Last evaluated: 2024-06-07. Review status: criteria provided, single submitter. Criteria: ACMG Guidelines, 2015. Collection method: literature only. Allele origin: germline. Affected: yes. Observed: 5 variant alleles.
Comment: In vitro or in vivo functional studies supportive of a damaging effect (PS3_Moderate), Prevalence of the variant significantly increased in affected individuals compared with controls (PS4_Supporting), Absent from controls (or at low frequency) in gnomAD database (PM2_Moderate), Missense variant in a gene with a low rate of benign missense variation (PP2_Supporting), Multiple lines of computational evidence support a deleterious effect (PP3_Supporting), Patient’s phenotype or family history highly specific for the disease (PP4_Moderate)

Classification method: ACMG Guidelines [PMID:25741868] with modifications

Genome-Nilou Lab
Classification: Pathogenic for Mucopolysaccharidosis, MPS-II. Last evaluated: 2021-09-05. Review status: criteria provided, single submitter. Criteria: ACMG Guidelines, 2015. Collection method: clinical testing. Allele origin: germline. Affected: no.

Labcorp Genetics (formerly Invitae), Labcorp
Classification: Pathogenic for Mucopolysaccharidosis, MPS-II. Last evaluated: 2021-07-10. Review status: criteria provided, single submitter. Criteria: Invitae Variant Classification Sherloc (09022015). Collection method: clinical testing. Allele origin: germline.
Comment: This sequence change replaces glutamic acid with lysine at codon 521 of the IDS protein (p.Glu521Lys). The glutamic acid residue is highly conserved and there is a small physicochemical difference between glutamic acid and lysine. This variant is not present in population databases (ExAC no frequency). This variant has been observed in individual(s) with mucopolysaccharidosis type II (PMID: 9266380, 28543354, 11462244). Experimental studies have shown that this variant affects IDS protein function (PMID: 28543354). For these reasons, this variant has been classified as Pathogenic.

Literature cited by the submitters: PubMed 11462244 (cited by Laboratory of Diagnosis and Therapy of Lysosomal Disorders, University of Padova and Labcorp Genetics (formerly Invitae), Labcorp); PubMed 18500569 (cited by Laboratory of Diagnosis and Therapy of Lysosomal Disorders, University of Padova); PubMed 9266380 (cited by Laboratory of Diagnosis and Therapy of Lysosomal Disorders, University of Padova and Labcorp Genetics (formerly Invitae), Labcorp); PubMed 28543354 (cited by Laboratory of Diagnosis and Therapy of Lysosomal Disorders, University of Padova and Labcorp Genetics (formerly Invitae), Labcorp); PubMed 34670126 (cited by Laboratory of Diagnosis and Therapy of Lysosomal Disorders, University of Padova).

NM_000202.8(IDS):c.1561G>A (p.Glu521Lys)

Gene: IDS (iduronate 2-sulfatase; minus strand). Cytogenetic location: Xq28.
Variant type: single nucleotide variant.
Coding change: c.1561G>A on transcript NM_000202.8 (MANE Select); coding-DNA position 1561, G replaced by A.
Protein change: p.Glu521Lys; replaces glutamic acid 521 with lysine.
Molecular consequence: missense variant.
Genome position (GRCh38, 1-based): chrX:149,482,838, C>T on the plus strand (G>A on the coding strand, the complement: IDS is on the minus strand). VCF-style: chrX-149482838-C-T. GRCh37 (hg19) VCF-style: chrX-148564369-C-T.
Other names: c.1291G>A, p.Glu431Lys (NM_001166550.4); short protein forms E431K, E521K.
Identifiers: ClinVar variation 1070515 (VCV001070515.13), dbSNP rs2124648301, ClinGen allele CA414517816.